The following is an entry in ClinVar:

ClinVar aggregate classification (germline): Uncertain significance (1 of 4 stars; one submission).

Conditions:
DICER1-related tumor predisposition. Also called: DICER1-related pleuropulmonary blastoma cancer predisposition syndrome; DICER1 syndrome. Identifiers: Orphanet 284343, MedGen C3839822, MONDO:0100216.

Submission:

Labcorp Genetics (formerly Invitae), Labcorp
Classification: Uncertain significance for DICER1-related tumor predisposition. Last evaluated: 2024-06-05. Review status: criteria provided, single submitter. Criteria: Invitae Variant Classification Sherloc (09022015). Collection method: clinical testing. Allele origin: germline.
Comment: This sequence change replaces valine, which is neutral and non-polar, with isoleucine, which is neutral and non-polar, at codon 921 of the DICER1 protein (p.Val921Ile). This variant is not present in population databases (gnomAD no frequency). This variant has not been reported in the literature in individuals affected with DICER1-related conditions. Advanced modeling of protein sequence and biophysical properties (such as structural, functional, and spatial information, amino acid conservation, physicochemical variation, residue mobility, and thermodynamic stability) performed at Invitae indicates that this missense variant is not expected to disrupt DICER1 protein function with a negative predictive value of 80%. In summary, the available evidence is currently insufficient to determine the role of this variant in disease. Therefore, it has been classified as a Variant of Uncertain Significance.

NM_177438.3(DICER1):c.2761G>A (p.Val921Ile)

Gene: DICER1 (dicer 1, ribonuclease III; minus strand). Cytogenetic location: 14q32.13.
Variant type: single nucleotide variant.
Coding change: c.2761G>A on transcript NM_177438.3 (MANE Select); coding-DNA position 2761, G replaced by A.
Protein change: p.Val921Ile; replaces valine 921 with isoleucine.
Molecular consequence: missense variant. On other transcripts: non-coding transcript variant (6).
Genome position (GRCh38, 1-based): chr14:95,107,651, C>T on the plus strand (G>A on the coding strand, the complement: DICER1 is on the minus strand). VCF-style: chr14-95107651-C-T. GRCh37 (hg19) VCF-style: chr14-95573988-C-T.
Other names: c.2761G>A, p.Val921Ile (NM_001195573.1, NM_001271282.3, NM_001291628.2 and 12 more transcripts); c.2479G>A, p.Val827Ile (NM_001395686.1); c.2356G>A, p.Val786Ile (NM_001395687.1, NM_001395688.1, NM_001395689.1 and 2 more transcripts); c.2194G>A, p.Val732Ile (NM_001395691.1); c.1078G>A, p.Val360Ile (NM_001395697.1); short protein forms V360I, V786I, V827I, V921I, V732I.
Identifiers: ClinVar variation 3703258 (VCV003703258.2).
Genomic context (GRCh38, chr14:95,107,651, plus strand): 5'-TCCATTTAAATACCTACCTTGGAATGATAACGGCATCTTGGTAATCTTCTAATTTAAAAA[C>T]AAAGGGTGTTTCTTTTGTATACTTTGTACTGGGAATGCCTATGCGAGCTTCAGACTTCTC-3'
Protein context (NP_803187.1, residues 911-931): STKYTKETPF[Val921Ile]FKLEDYQDAV